The following is an entry in ClinVar:

NM_080732.4(EGLN2):c.209C>T (p.Ser70Phe)

Genes: EGLN2 (egl-9 family hypoxia inducible factor 2; plus strand), RAB4B-EGLN2 (RAB4B-EGLN2 readthrough (NMD candidate); plus strand). Cytogenetic location: 19q13.2.
Variant type: single nucleotide variant.
Coding change: c.209C>T on transcript NM_080732.4 (MANE Select); coding-DNA position 209, C replaced by T.
Protein change: p.Ser70Phe; replaces serine 70 with phenylalanine.
Molecular consequence: missense variant. On other transcripts: non-coding transcript variant (1).
Genome position (GRCh38, 1-based): chr19:40,800,781, C>T. VCF-style: chr19-40800781-C-T. GRCh37 (hg19) VCF-style: chr19-41306686-C-T.
Other names: c.209C>T, p.Ser70Phe (NM_053046.4); short protein forms S70F.
Identifiers: ClinVar variation 1785857 (VCV001785857.2), dbSNP rs2083250256, ClinGen allele CA405954780.
Genomic context (GRCh38, chr19:40,800,781, plus strand): 5'-GTCCAGGAGTGCCTAGTGAGGCCTCGGCAGGGAGTGGGACCCCCAGAGCCACAGCCACCT[C>T]TACCACTGCCAGCCCTCTTCGGGACGGTTTTGGCGGGCAGGATGGTGGTGAGCTGCGGCC-3'
Protein context (NP_542770.2, residues 60-80): GSGTPRATAT[Ser70Phe]TTASPLRDGF

ClinVar aggregate classification (germline): Uncertain significance (1 of 4 stars; one submission).

Allele frequency attached by ClinVar (database versions not stated): gnomAD exomes below 0.00001; TOPMed below 0.00001; gnomAD 0.00001.
gnomAD v4.1: 3 of 1,613,336 alleles (0.00019%); highest among the groups gnomAD compares: Non-Finnish European, 0.00025%; no homozygotes.

Submission:

Ambry Genetics
Classification: Uncertain significance. Last evaluated: 2024-03-23. Review status: criteria provided, single submitter. Criteria: Ambry Variant Classification Scheme 2023. Collection method: clinical testing. Allele origin: germline.
Comment: The p.S70F variant (also known as c.209C>T), located in coding exon 1 of the EGLN2 gene, results from a C to T substitution at nucleotide position 209. The serine at codon 70 is replaced by phenylalanine, an amino acid with highly dissimilar properties. This amino acid position is conserved. In addition, this alteration is predicted to be tolerated by in silico analysis. Since supporting evidence is limited at this time, the clinical significance of this alteration remains unclear.